The following is an entry in ClinVar:

ClinVar aggregate classification (germline): Uncertain significance (1 of 4 stars; one submission).

Allele frequency attached by ClinVar (database versions not stated): ExAC 0.00003; TOPMed 0.00004; gnomAD 0.00005 and 0.00006; gnomAD exomes 0.00005; ESP Exome Variant Server 0.00008.
gnomAD v4.1: 148 of 1,612,760 alleles (0.0092%); highest among the groups gnomAD compares: Non-Finnish European, 0.012%; no homozygotes.

Submission:

Labcorp Genetics (formerly Invitae), Labcorp
Classification: Uncertain significance. Last evaluated: 2022-10-13. Review status: criteria provided, single submitter. Criteria: Invitae Variant Classification Sherloc (09022015). Collection method: clinical testing. Allele origin: germline.
Comment: This sequence change replaces arginine with glutamine at codon 633 of the UNC45A protein (p.Arg633Gln). The arginine residue is weakly conserved and there is a small physicochemical difference between arginine and glutamine. This variant is present in population databases (rs377653790, gnomAD 0.01%). This variant has not been reported in the literature in individuals affected with UNC45A-related conditions. ClinVar contains an entry for this variant (Variation ID: 1430783). Advanced modeling of protein sequence and biophysical properties (such as structural, functional, and spatial information, amino acid conservation, physicochemical variation, residue mobility, and thermodynamic stability) performed at Invitae indicates that this missense variant is not expected to disrupt UNC45A protein function. In summary, the available evidence is currently insufficient to determine the role of this variant in disease. Therefore, it has been classified as a Variant of Uncertain Significance.

NM_018671.5(UNC45A):c.1898G>A (p.Arg633Gln)

Gene: UNC45A (unc-45 myosin chaperone A; plus strand). Cytogenetic location: 15q26.1.
Variant type: single nucleotide variant.
Coding change: c.1898G>A on transcript NM_018671.5 (MANE Select); coding-DNA position 1898, G replaced by A.
Protein change: p.Arg633Gln; replaces arginine 633 with glutamine.
Molecular consequence: missense variant.
Genome position (GRCh38, 1-based): chr15:90,949,335, G>A. VCF-style: chr15-90949335-G-A. GRCh37 (hg19) VCF-style: chr15-91492565-G-A.
Other names: c.1853G>A, p.Arg618Gln (NM_001039675.2, NM_001323621.2); c.1898G>A, p.Arg633Gln (NM_001323619.1); c.1463G>A, p.Arg488Gln (NM_001323620.2); short protein forms R618Q, R488Q, R633Q.
Identifiers: ClinVar variation 1430783 (VCV001430783.3), dbSNP rs377653790, ClinGen allele CA7743115.